The following is an entry in ClinVar:

NM_001848.3(COL6A1):c.1272G>A (p.Arg424=)

Gene: COL6A1 (collagen type VI alpha 1 chain; plus strand). Cytogenetic location: 21q22.3.
Variant type: single nucleotide variant.
Coding change: c.1272G>A on transcript NM_001848.3 (MANE Select); coding-DNA position 1272, G replaced by A.
Protein change: p.Arg424=; no amino-acid change (arginine 424 retained).
Molecular consequence: synonymous variant.
Genome position (GRCh38, 1-based): chr21:45,992,398, G>A. VCF-style: chr21-45992398-G-A. GRCh37 (hg19) VCF-style: chr21-47412312-G-A.
Identifiers: ClinVar variation 2799661 (VCV002799661.4), dbSNP rs867187980, ClinGen allele CA321967025.

ClinVar aggregate classification (germline): Uncertain significance. Review status: criteria provided, multiple submitters, no conflicts (2 of 4 stars). 2 submissions from 2 submitters: Uncertain significance (2). Last evaluated 2024-07-11.

Conditions:
Bethlem myopathy 1A. Also called: Bethlem myopathy 1; MYOPATHY, BENIGN CONGENITAL, WITH CONTRACTURES; Bethlem Muscular Dystrophy. Identifiers: Orphanet 610, MedGen CN029274, MONDO:0024530, OMIM 158810.

Allele frequency attached by ClinVar (database versions not stated): gnomAD exomes 0.00001; TOPMed 0.00001; gnomAD 0.00003.

Submissions (2):

GeneDx
Classification: Uncertain significance. Last evaluated: 2024-07-11. Review status: criteria provided, single submitter. Criteria: GeneDx Variant Classification Process June 2021. Collection method: clinical testing. Allele origin: germline. Affected: yes.
Comment: Has not been previously published as pathogenic or benign to our knowledge; In silico analysis is inconclusive as to whether the variant alters gene splicing. In the absence of RNA/functional studies, the actual effect of this sequence change is unknown.

Labcorp Genetics (formerly Invitae), Labcorp
Classification: Uncertain significance for Bethlem myopathy 1A. Last evaluated: 2023-01-20. Review status: criteria provided, single submitter. Criteria: Invitae Variant Classification Sherloc (09022015). Collection method: clinical testing. Allele origin: germline.
Comment: In summary, the available evidence is currently insufficient to determine the role of this variant in disease. Therefore, it has been classified as a Variant of Uncertain Significance. Variants that disrupt the consensus splice site are a relatively common cause of aberrant splicing (PMID: 17576681, 9536098). Algorithms developed to predict the effect of sequence changes on RNA splicing suggest that this variant may disrupt the consensus splice site. This variant has not been reported in the literature in individuals affected with COL6A1-related conditions. This variant is present in population databases (no rsID available, gnomAD 0.01%). This sequence change affects codon 424 of the COL6A1 mRNA. It is a 'silent' change, meaning that it does not change the encoded amino acid sequence of the COL6A1 protein. This variant also falls at the last nucleotide of exon 18, which is part of the consensus splice site for this exon.

Literature cited by the submitters: PubMed 17576681 (cited by Labcorp Genetics (formerly Invitae), Labcorp); PubMed 9536098 (cited by Labcorp Genetics (formerly Invitae), Labcorp).